The following is an entry in ClinVar:

ClinVar aggregate classification (germline): Pathogenic (1 of 4 stars; one submission).

Conditions:
Neurofibromatosis, type 1 (NF1). Also called: VON RECKLINGHAUSEN DISEASE; NEUROFIBROMATOSIS, TYPE I, SOMATIC; Neurofibromatosis, type I; Peripheral type neurofibromatosis. Identifiers: Orphanet 636, MedGen C0027831, MONDO:0018975, OMIM 162200. Disease mechanism: loss of function.

Submission:

Labcorp Genetics (formerly Invitae), Labcorp
Classification: Pathogenic for Neurofibromatosis, type 1. Last evaluated: 2023-02-10. Review status: criteria provided, single submitter. Criteria: Invitae Variant Classification Sherloc (09022015). Collection method: clinical testing. Allele origin: germline.
Comment: For these reasons, this variant has been classified as Pathogenic. This variant has not been reported in the literature in individuals affected with NF1-related conditions. This variant is not present in population databases (gnomAD no frequency). This sequence change creates a premature translational stop signal (p.Val1321Ilefs*5) in the NF1 gene. It is expected to result in an absent or disrupted protein product. Loss-of-function variants in NF1 are known to be pathogenic (PMID: 10712197, 23913538).

Literature cited by the submitters: PubMed 10712197; PubMed 23913538.

NM_001042492.3(NF1):c.3961_3964del (p.Val1321fs)

Gene: NF1 (neurofibromin 1; plus strand). Cytogenetic location: 17q11.2.
Variant type: Deletion.
Coding change: c.3961_3964del on transcript NM_001042492.3 (MANE Select); coding-DNA positions 3961 to 3964, 4 bases deleted (GTGG; older notation c.3961_3964delGTGG).
Protein change: p.Val1321fs; shifts the reading frame from valine 1321.
Molecular consequence: frameshift variant.
Genome position (GRCh38, 1-based): chr17:31,236,008-31,236,011, GTGG deleted. VCF-style (leftmost placement, unchanged base first): chr17-31236007-AGTGG-A. GRCh37 (hg19) VCF-style: chr17-29563025-AGTGG-A.
Other names: c.3961_3964delGTGG, p.Val1321Ilefs (NM_000267.4); short protein forms V1321fs.
Identifiers: ClinVar variation 2835979 (VCV002835979.3), dbSNP rs2508265271, ClinGen allele CA2739267385.